The following is an entry in ClinVar:

NM_000051.4(ATM):c.2933C>A (p.Ser978Tyr)

Gene: ATM (ATM serine/threonine kinase; plus strand). Cytogenetic location: 11q22.3.
Variant type: single nucleotide variant.
Coding change: c.2933C>A on transcript NM_000051.4 (MANE Select); coding-DNA position 2933, C replaced by A.
Protein change: p.Ser978Tyr; replaces serine 978 with tyrosine.
Molecular consequence: missense variant.
Genome position (GRCh38, 1-based): chr11:108,271,262, C>A. VCF-style: chr11-108271262-C-A. GRCh37 (hg19) VCF-style: chr11-108141989-C-A.
Other names: c.2933C>A, p.Ser978Tyr (NM_001351834.2); short protein forms S978Y.
Identifiers: ClinVar variation 1797842 (VCV001797842.7), dbSNP rs1449057707, ClinGen allele CA382547110.
Genomic context (GRCh38, chr11:108,271,262, plus strand): 5'-TGTTCTGTTAAGCTTATAAAGTTGAACTTTTTTTTTTTTTTTACCACAGCAATGTGTGTT[C>A]TTTGTATCGTCGTGACCAAGATGTTTGTAAAACTATTTTAAACCATGTCCTTCATGTAGT-3'
Protein context (NP_000042.3, residues 968-988): ELLKPLSNVC[Ser978Tyr]LYRRDQDVCK

ClinVar aggregate classification (germline): Uncertain significance. Review status: criteria provided, multiple submitters, no conflicts (2 of 4 stars). 2 submissions from 2 submitters: Uncertain significance (2). Last evaluated 2025-06-09.

Conditions:
Hereditary cancer-predisposing syndrome. Also called: Neoplastic Syndromes, Hereditary; Tumor predisposition; Hereditary neoplastic syndrome; Hereditary Cancer Syndrome. Identifiers: Orphanet 140162, MedGen C0027672, MeSH D009386, MONDO:0015356.
Ataxia-telangiectasia syndrome (AT). Also called: Ataxia-telangiectasia, complementation group D; AT, COMPLEMENTATION GROUP C; ATAXIA-TELANGIECTASIA, COMPLEMENTATION GROUP A; ATAXIA-TELANGIECTASIA, FRESNO VARIANT; Ataxia-telangiectasia; LOUIS-BAR SYNDROME. Identifiers: Orphanet 100, MedGen C0004135, MONDO:0008840, OMIM 208900.

Allele frequency attached by ClinVar (database versions not stated): gnomAD exomes below 0.00001.
gnomAD v4.1: 1 of 1,605,142 alleles (0.000062%); highest among the groups gnomAD compares: Non-Finnish European, 0.000085%; no homozygotes.

Submissions (2):

Labcorp Genetics (formerly Invitae), Labcorp
Classification: Uncertain significance for Ataxia-telangiectasia syndrome. Last evaluated: 2025-06-09. Review status: criteria provided, single submitter. Criteria: Invitae Variant Classification Sherloc (09022015). Collection method: clinical testing. Allele origin: germline.
Comment: This sequence change replaces serine, which is neutral and polar, with tyrosine, which is neutral and polar, at codon 978 of the ATM protein (p.Ser978Tyr). This variant is not present in population databases (gnomAD no frequency). This variant has not been reported in the literature in individuals affected with ATM-related conditions. ClinVar contains an entry for this variant (Variation ID: 1797842). Invitae Evidence Modeling of protein sequence and biophysical properties (such as structural, functional, and spatial information, amino acid conservation, physicochemical variation, residue mobility, and thermodynamic stability) has been performed for this missense variant. However, the output from this modeling did not meet the statistical confidence thresholds required to predict the impact of this variant on ATM protein function. In summary, the available evidence is currently insufficient to determine the role of this variant in disease. Therefore, it has been classified as a Variant of Uncertain Significance.

Ambry Genetics
Classification: Uncertain significance for Hereditary cancer-predisposing syndrome. Last evaluated: 2021-03-04. Review status: criteria provided, single submitter. Criteria: Ambry Variant Classification Scheme 2023. Collection method: clinical testing. Allele origin: germline.
Comment: The p.S978Y variant (also known as c.2933C>A), located in coding exon 19 of the ATM gene, results from a C to A substitution at nucleotide position 2933. The serine at codon 978 is replaced by tyrosine, an amino acid with dissimilar properties. This amino acid position is highly conserved in available vertebrate species. In addition, this alteration is predicted to be deleterious by in silico analysis. Since supporting evidence is limited at this time, the clinical significance of this alteration remains unclear.